The following is an entry in ClinVar:

ClinVar aggregate classification (germline): Uncertain significance (1 of 4 stars; one submission).

Submission:

Labcorp Genetics (formerly Invitae), Labcorp
Classification: Uncertain significance. Last evaluated: 2024-06-23. Review status: criteria provided, single submitter. Criteria: Invitae Variant Classification Sherloc (09022015). Collection method: clinical testing. Allele origin: germline.
Comment: This sequence change replaces arginine, which is basic and polar, with serine, which is neutral and polar, at codon 1519 of the POLE protein (p.Arg1519Ser). This variant is not present in population databases (gnomAD no frequency). This variant has not been reported in the literature in individuals affected with POLE-related conditions. Advanced modeling of protein sequence and biophysical properties (such as structural, functional, and spatial information, amino acid conservation, physicochemical variation, residue mobility, and thermodynamic stability) performed at Invitae indicates that this missense variant is not expected to disrupt POLE protein function with a negative predictive value of 80%. In summary, the available evidence is currently insufficient to determine the role of this variant in disease. Therefore, it has been classified as a Variant of Uncertain Significance.

NM_006231.4(POLE):c.4555C>A (p.Arg1519Ser)

Gene: POLE (DNA polymerase epsilon, catalytic subunit; minus strand). Cytogenetic location: 12q24.33.
Variant type: single nucleotide variant.
Coding change: c.4555C>A on transcript NM_006231.4 (MANE Select); coding-DNA position 4555, C replaced by A.
Protein change: p.Arg1519Ser; replaces arginine 1519 with serine.
Molecular consequence: missense variant.
Genome position (GRCh38, 1-based): chr12:132,642,993, G>T on the plus strand (C>A on the coding strand, the complement: POLE is on the minus strand). VCF-style: chr12-132642993-G-T. GRCh37 (hg19) VCF-style: chr12-133219579-G-T.
Other names: short protein forms R1519S.
Identifiers: ClinVar variation 3657515 (VCV003657515.2).